The following is an entry in ClinVar:

ClinVar aggregate classification (germline): Uncertain significance (1 of 4 stars; one submission).

Allele frequency attached by ClinVar (database versions not stated): TOPMed below 0.00001; gnomAD 0.00003; gnomAD exomes 0.00006 and 0.00007; ExAC 0.00007; 1000 Genomes Project 30x 0.00031; 1000 Genomes Project 0.00040.
gnomAD v4.1: 90 of 1,614,228 alleles (0.0056%); highest among the groups gnomAD compares: South Asian, 0.097%; 2 homozygotes.

Submission:

Labcorp Genetics (formerly Invitae), Labcorp
Classification: Uncertain significance. Last evaluated: 2024-05-16. Review status: criteria provided, single submitter. Criteria: Invitae Variant Classification Sherloc (09022015). Collection method: clinical testing. Allele origin: germline.
Comment: This sequence change replaces serine, which is neutral and polar, with threonine, which is neutral and polar, at codon 250 of the TEAD1 protein (p.Ser250Thr). This variant is present in population databases (rs536251009, gnomAD 0.06%), and has an allele count higher than expected for a pathogenic variant. This variant has not been reported in the literature in individuals affected with TEAD1-related conditions. ClinVar contains an entry for this variant (Variation ID: 1382531). Advanced modeling of protein sequence and biophysical properties (such as structural, functional, and spatial information, amino acid conservation, physicochemical variation, residue mobility, and thermodynamic stability) performed at Invitae indicates that this missense variant is not expected to disrupt TEAD1 protein function with a negative predictive value of 80%. In summary, the available evidence is currently insufficient to determine the role of this variant in disease. Therefore, it has been classified as a Variant of Uncertain Significance.

NM_021961.6(TEAD1):c.749G>C (p.Ser250Thr)

Gene: TEAD1 (TEA domain transcription factor 1; plus strand). Cytogenetic location: 11p15.3.
Variant type: single nucleotide variant.
Coding change: c.749G>C on transcript NM_021961.6 (MANE Select); coding-DNA position 749, G replaced by C.
Protein change: p.Ser250Thr; replaces serine 250 with threonine.
Molecular consequence: missense variant.
Genome position (GRCh38, 1-based): chr11:12,901,989, G>C. VCF-style: chr11-12901989-G-C. GRCh37 (hg19) VCF-style: chr11-12923536-G-C.
Other names: short protein forms S250T.
Identifiers: ClinVar variation 1382531 (VCV001382531.8), dbSNP rs536251009, ClinGen allele CA5891735.